The following is an entry in ClinVar:

ClinVar aggregate classification (germline): Likely pathogenic. Review status: reviewed by expert panel (3 of 4 stars). 3 submissions from 2 submitters: Likely pathogenic (1). 2 of the submissions do not count toward it. Last evaluated 2025-09-07.

Conditions:
Retinal dystrophy. Also called: Inherited retinal dystrophy. Identifiers: Orphanet 71862, MedGen C0854723, MeSH D058499, MONDO:0019118, HP:0000556.
Retinitis pigmentosa 3. Also called: CHOROIDORETINAL DEGENERATION WITH RETINAL REFLEX IN HETEROZYGOUS WOMEN. Identifiers: Orphanet 791, MedGen C1845667, MONDO:0010227, OMIM 300029.
RPGR-related retinopathy. Also called: RPGR retinopathy. Identifiers: MedGen CN305589, MONDO:0100437.

Submissions (3):

ClinGen X-linked Inherited Retinal Disease Variant Curation Expert Panel, ClinGen
Classification: Likely pathogenic for RPGR-related retinopathy. Last evaluated: 2025-09-07. Review status: reviewed by expert panel. Criteria: ClinGen X LinkedIRD ACMG Specifications RPGR V1.0.0. Collection method: curation. Allele origin: germline. Inheritance: X-linked inheritance.
Comment: NM_001034853.2(RPGR):c.2293_2297del (p.Glu765ArgfsTer3) is a frameshift variant due to a 5-nucleotide deletion introducing a premature stop codon within exon 15 of 15, which is predicted to disrupt a critical C-terminal region required for proper glutamylation of RPGR (PVS1, PMID: 36445968). This variant is absent from gnomAD v4.1.0 (PM2_Supporting). This variant has been reported in at least 2 apparently unrelated probands (PMID: 27620828, PMID: 34985506). However, the number of individuals meeting one of the PS4 requirements of some functional vision impairment in affected males by age 30 years, decreased or absent electroretinogram responses, or a female proband with an affected male family member, was fewer than the requirement of at least 2 unrelated probands, so PS4_Supporting was not met. In summary, this variant is classified as likely pathogenic for RPGR-related retinopathy based on the ClinGen X-linked Inherited Retinal Disease Expert Panel Specifications to the ACMG/AMP Variant Interpretation Guidelines for RPGR Version 1.0.0; PVS1 and PM2_Supporting.

Blueprint Genetics
Classification: Likely pathogenic for Retinal dystrophy. Last evaluated: 2018-10-02. Review status: criteria provided, single submitter. Criteria: Blueprint Genetics Variant Classification Scheme. Collection method: clinical testing. Allele origin: germline. Affected: yes. Not counted in ClinVar's aggregate classification.

Blueprint Genetics
Classification: Likely pathogenic for Retinitis pigmentosa 3. Review status: no assertion criteria provided. Collection method: clinical testing. Allele origin: germline. Affected: yes. Not counted in ClinVar's aggregate classification.

NM_001034853.2(RPGR):c.2293_2297del (p.Glu765fs)

Gene: RPGR (retinitis pigmentosa GTPase regulator; minus strand). Cytogenetic location: Xp11.4.
Variant type: Deletion.
Coding change: c.2293_2297del on transcript NM_001034853.2 (MANE Select); coding-DNA positions 2293 to 2297, 5 bases deleted (GAGGG; older notation c.2293_2297delGAGGG).
Protein change: p.Glu765fs; shifts the reading frame from glutamic acid 765.
Molecular consequence: frameshift variant. On other transcripts: intron variant (8).
Genome position (GRCh38, 1-based): chrX:38,286,702-38,286,706, CCCTC deleted on the plus strand (GAGGG on the coding strand, the reverse complement: RPGR is on the minus strand); deleting any 5 consecutive bases within chrX:38,286,702-38,286,707 gives the same sequence; the c. name uses the placement nearest the transcript's 3' end. VCF-style (leftmost placement, unchanged base first): chrX-38286701-TCCCTC-T. GRCh37 (hg19) VCF-style: chrX-38145954-TCCCTC-T.
Other names: NM_001034853.2(RPGR):c.2293_2297del; p.Glu765fs; c.1569+4253_1569+4257del (NM_001367249.1, NM_001367250.1); c.1902+388_1902+392del (NM_001367245.1); c.1386+4253_1386+4257del (NM_001367251.1); c.1719+388_1719+392del (NM_001367246.1); c.1572+4253_1572+4257del (NM_001367247.1); c.1905+388_1905+392del (NM_000328.3); and 1 more; short protein forms E765fs.
Identifiers: ClinVar variation 866191 (VCV000866191.3), dbSNP rs2067186762, ClinGen allele CA916083905.